The following is an entry in ClinVar:

ClinVar aggregate classification (germline): Likely benign. Review status: criteria provided, single submitter (1 of 4 stars). 2 submissions from 2 submitters: Likely benign (1). 1 of the submissions does not count toward it. Last evaluated 2023-06-19.

Conditions:
NCKAP1-related disorder. Also called: NCKAP1-related condition.

Allele frequency attached by ClinVar (database versions not stated): gnomAD exomes 0.00007; ExAC 0.00014; 1000 Genomes Project 0.00040; gnomAD 0.00055; TOPMed 0.00056; 1000 Genomes Project 30x 0.00062; ESP Exome Variant Server 0.00085.
gnomAD v4.1: 189 of 1,613,762 alleles (0.012%); highest among the groups gnomAD compares: African/African-American, 0.21%; 1 homozygote.

Submissions (2):

Blueprint Genetics
Classification: Likely benign. Last evaluated: 2023-06-19. Review status: criteria provided, single submitter. Criteria: ACMG Guidelines, 2015. Collection method: clinical testing. Allele origin: germline.

PreventionGenetics, part of Exact Sciences
Classification: Likely benign for NCKAP1-related condition. Last evaluated: 2019-07-29. Review status: no assertion criteria provided. Collection method: clinical testing. Allele origin: germline. Not counted in ClinVar's aggregate classification.
Comment: This variant is classified as likely benign based on ACMG/AMP sequence variant interpretation guidelines (Richards et al. 2015 PMID: 25741868, with internal and published modifications).

NM_013436.5(NCKAP1):c.528A>G (p.Pro176=)

Gene: NCKAP1 (NCK associated protein 1; minus strand). Cytogenetic location: 2q32.1.
Variant type: single nucleotide variant.
Coding change: c.528A>G on transcript NM_013436.5 (MANE Select); coding-DNA position 528, A replaced by G.
Protein change: p.Pro176=; no amino-acid change (proline 176 retained).
Molecular consequence: synonymous variant.
Genome position (GRCh38, 1-based): chr2:183,002,028, T>C on the plus strand (A>G on the coding strand, the complement: NCKAP1 is on the minus strand). VCF-style: chr2-183002028-T-C. GRCh37 (hg19) VCF-style: chr2-183866756-T-C.
Other names: c.546A>G, p.Pro182= (NM_205842.3).
Identifiers: ClinVar variation 3034627 (VCV003034627.3), dbSNP rs148713736, ClinGen allele CA2014850.